The following is an entry in ClinVar:

ClinVar aggregate classification (germline): Uncertain significance (1 of 4 stars; one submission).

Conditions:
Renal cell carcinoma. Identifiers: Orphanet 217071, MedGen C0007134, MeSH D002292, MONDO:0005086, HP:0005584.

Submission:

Labcorp Genetics (formerly Invitae), Labcorp
Classification: Uncertain significance for Renal cell carcinoma. Last evaluated: 2021-11-22. Review status: criteria provided, single submitter. Criteria: Invitae Variant Classification Sherloc (09022015). Collection method: clinical testing. Allele origin: germline.
Comment: Algorithms developed to predict the effect of missense changes on protein structure and function (SIFT, PolyPhen-2, Align-GVGD) all suggest that this variant is likely to be disruptive. This variant has not been reported in the literature in individuals affected with MET-related conditions. This variant is not present in population databases (gnomAD no frequency). This sequence change replaces alanine, which is neutral and non-polar, with threonine, which is neutral and polar, at codon 1224 of the MET protein (p.Ala1224Thr). In summary, the available evidence is currently insufficient to determine the role of this variant in disease. Therefore, it has been classified as a Variant of Uncertain Significance.

NM_000245.4(MET):c.3616G>A (p.Ala1206Thr)

Gene: MET (MET proto-oncogene, receptor tyrosine kinase; plus strand). Cytogenetic location: 7q31.2.
Variant type: single nucleotide variant.
Coding change: c.3616G>A on transcript NM_000245.4 (MANE Select); coding-DNA position 3616, G replaced by A.
Protein change: p.Ala1206Thr; replaces alanine 1206 with threonine.
Molecular consequence: missense variant.
Genome position (GRCh38, 1-based): chr7:116,782,081, G>A. VCF-style: chr7-116782081-G-A. GRCh37 (hg19) VCF-style: chr7-116422135-G-A.
Other names: c.3670G>A, p.Ala1224Thr (NM_001127500.3); c.2326G>A, p.Ala776Thr (NM_001324402.2); short protein forms A1206T, A1224T, A776T.
Identifiers: ClinVar variation 1367276 (VCV001367276.6), dbSNP rs2117060579, ClinGen allele CA368991215.